The following is an entry in ClinVar:

ClinVar aggregate classification (germline): Conflicting classifications of pathogenicity. Review status: criteria provided, conflicting classifications (1 of 4 stars). 2 submissions from 2 submitters: Uncertain significance (1); Likely benign (1). Last evaluated 2025-11-25.

Conditions:
Hereditary cancer-predisposing syndrome. Also called: Hereditary Cancer Syndrome; Tumor predisposition; Neoplastic Syndromes, Hereditary; Hereditary neoplastic syndrome. Identifiers: Orphanet 140162, MedGen C0027672, MeSH D009386, MONDO:0015356.
Oligodontia-cancer predisposition syndrome. Also called: TOOTH AGENESIS-COLORECTAL CANCER SYNDROME. Identifiers: Orphanet 300576, MedGen C1837750, MONDO:0012075, OMIM 608615. Disease mechanism: loss of function.

Allele frequency attached by ClinVar (database versions not stated): gnomAD exomes below 0.00001.
gnomAD v4.1: 1 of 1,613,588 alleles (0.000062%); highest among the groups gnomAD compares: Non-Finnish European, 0.000085%; no homozygotes.

Submissions (2):

Ambry Genetics
Classification: Likely benign for Hereditary cancer-predisposing syndrome. Last evaluated: 2025-11-25. Review status: criteria provided, single submitter. Criteria: Ambry Variant Classification Scheme 2023. Collection method: clinical testing. Allele origin: germline.

Labcorp Genetics (formerly Invitae), Labcorp
Classification: Uncertain significance for Oligodontia-cancer predisposition syndrome. Last evaluated: 2024-03-30. Review status: criteria provided, single submitter. Criteria: Invitae Variant Classification Sherloc (09022015). Collection method: clinical testing. Allele origin: germline.
Comment: This sequence change replaces glycine, which is neutral and non-polar, with aspartic acid, which is acidic and polar, at codon 87 of the AXIN2 protein (p.Gly87Asp). This variant is not present in population databases (gnomAD no frequency). This variant has not been reported in the literature in individuals affected with AXIN2-related conditions. ClinVar contains an entry for this variant (Variation ID: 2121613). Advanced modeling of protein sequence and biophysical properties (such as structural, functional, and spatial information, amino acid conservation, physicochemical variation, residue mobility, and thermodynamic stability) performed at Invitae indicates that this missense variant is not expected to disrupt AXIN2 protein function with a negative predictive value of 80%. In summary, the available evidence is currently insufficient to determine the role of this variant in disease. Therefore, it has been classified as a Variant of Uncertain Significance.

NM_004655.4(AXIN2):c.260G>A (p.Gly87Asp)

Gene: AXIN2 (axin 2; minus strand). Cytogenetic location: 17q24.1.
Variant type: single nucleotide variant.
Coding change: c.260G>A on transcript NM_004655.4 (MANE Select); coding-DNA position 260, G replaced by A.
Protein change: p.Gly87Asp; replaces glycine 87 with aspartic acid.
Molecular consequence: missense variant.
Genome position (GRCh38, 1-based): chr17:65,558,361, C>T on the plus strand (G>A on the coding strand, the complement: AXIN2 is on the minus strand). VCF-style: chr17-65558361-C-T. GRCh37 (hg19) VCF-style: chr17-63554479-C-T.
Other names: c.260G>A, p.Gly87Asp (NM_001363813.1); short protein forms G87D.
Identifiers: ClinVar variation 2121613 (VCV002121613.5), dbSNP rs2144589016, ClinGen allele CA400681792.